The following is an entry in ClinVar:

ClinVar aggregate classification (germline): Uncertain significance (1 of 4 stars; one submission).

Conditions:
Hereditary cancer-predisposing syndrome. Also called: Neoplastic Syndromes, Hereditary; Hereditary Cancer Syndrome; Tumor predisposition; Hereditary neoplastic syndrome. Identifiers: Orphanet 140162, MedGen C0027672, MeSH D009386, MONDO:0015356.

Submission:

Ambry Genetics
Classification: Uncertain significance for Hereditary cancer-predisposing syndrome. Last evaluated: 2025-02-06. Review status: criteria provided, single submitter. Criteria: Ambry Variant Classification Scheme 2023. Collection method: clinical testing. Allele origin: germline.
Comment: The p.E663D variant (also known as c.1989A>T), located in coding exon 12 of the SMARCA4 gene, results from an A to T substitution at nucleotide position 1989. The glutamic acid at codon 663 is replaced by aspartic acid, an amino acid with highly similar properties. This amino acid position is conserved. In addition, this alteration is predicted to be tolerated by in silico analysis. Based on the available evidence, the clinical significance of this variant remains unclear.

NM_003072.5(SMARCA4):c.1989A>T (p.Glu663Asp)

Gene: SMARCA4 (SWI/SNF related BAF chromatin remodeling complex subunit ATPase 4; plus strand). Cytogenetic location: 19p13.2.
Variant type: single nucleotide variant.
Coding change: c.1989A>T on transcript NM_003072.5 (MANE Select); coding-DNA position 1989, A replaced by T.
Protein change: p.Glu663Asp; replaces glutamic acid 663 with aspartic acid.
Molecular consequence: missense variant. On other transcripts: non-coding transcript variant (1).
Genome position (GRCh38, 1-based): chr19:11,003,385, A>T. VCF-style: chr19-11003385-A-T. GRCh37 (hg19) VCF-style: chr19-11114061-A-T.
Other names: c.1989A>T, p.Glu663Asp (NM_001128844.3, NM_001128845.2, NM_001128846.2 and 6 more transcripts); short protein forms E663D.
Identifiers: ClinVar variation 3798871 (VCV003798871.1).